The following is an entry in ClinVar:

NM_001170629.2(CHD8):c.5753C>T (p.Pro1918Leu)

Gene: CHD8 (chromodomain helicase DNA binding protein 8; minus strand). Cytogenetic location: 14q11.2.
Variant type: single nucleotide variant.
Coding change: c.5753C>T on transcript NM_001170629.2 (MANE Select); coding-DNA position 5753, C replaced by T.
Protein change: p.Pro1918Leu; replaces proline 1918 with leucine.
Molecular consequence: missense variant.
Genome position (GRCh38, 1-based): chr14:21,394,042, G>A on the plus strand (C>T on the coding strand, the complement: CHD8 is on the minus strand). VCF-style: chr14-21394042-G-A. GRCh37 (hg19) VCF-style: chr14-21862201-G-A.
Other names: c.4916C>T, p.Pro1639Leu (NM_020920.4); short protein forms P1639L, P1918L.
Identifiers: ClinVar variation 2573756 (VCV002573756.2), dbSNP rs2501857861, ClinGen allele CA388881309.
Genomic context (GRCh38, chr14:21,394,042, plus strand): 5'-GCTGCCCCTCTTAGAAGCTCCCCATCATGCCGAACAGGCTCCCACCATTTGGGCAATTCA[G>A]GACCAGGAGGCTGACACAATGCCAGCCGATCTTCCAAAAGGGGGTGGCATAAAACTTGTT-3'
Protein context (NP_001164100.1, residues 1908-1928): DRLALCQPPG[Pro1918Leu]ELPKWWEPVR

ClinVar aggregate classification (germline): Uncertain significance (1 of 4 stars; one submission).

Submission:

GeneDx
Classification: Uncertain significance. Last evaluated: 2023-12-09. Review status: criteria provided, single submitter. Criteria: GeneDx Variant Classification Process June 2021. Collection method: clinical testing. Allele origin: germline.
Comment: Not observed at significant frequency in large population cohorts (gnomAD); In silico analysis supports that this missense variant does not alter protein structure/function; Has not been previously published as pathogenic or benign to our knowledge